The following is an entry in ClinVar:

ClinVar aggregate classification (germline): Uncertain significance (1 of 4 stars; one submission).

Submission:

Labcorp Genetics (formerly Invitae), Labcorp
Classification: Uncertain significance. Last evaluated: 2022-10-24. Review status: criteria provided, single submitter. Criteria: Invitae Variant Classification Sherloc (09022015). Collection method: clinical testing. Allele origin: germline.
Comment: In summary, the available evidence is currently insufficient to determine the role of this variant in disease. Therefore, it has been classified as a Variant of Uncertain Significance. Advanced modeling of protein sequence and biophysical properties (such as structural, functional, and spatial information, amino acid conservation, physicochemical variation, residue mobility, and thermodynamic stability) performed at Invitae indicates that this missense variant is not expected to disrupt NBAS protein function. ClinVar contains an entry for this variant (Variation ID: 1411201). This variant has not been reported in the literature in individuals affected with NBAS-related conditions. This variant is not present in population databases (gnomAD no frequency). This sequence change replaces leucine, which is neutral and non-polar, with valine, which is neutral and non-polar, at codon 1829 of the NBAS protein (p.Leu1829Val).

NM_015909.4(NBAS):c.5485C>G (p.Leu1829Val)

Gene: NBAS (NBAS subunit of NRZ tethering complex; minus strand). Cytogenetic location: 2p24.3.
Variant type: single nucleotide variant.
Coding change: c.5485C>G on transcript NM_015909.4 (MANE Select); coding-DNA position 5485, C replaced by G.
Protein change: p.Leu1829Val; replaces leucine 1829 with valine.
Molecular consequence: missense variant. On other transcripts: non-coding transcript variant (1).
Genome position (GRCh38, 1-based): chr2:15,275,723, G>C on the plus strand (C>G on the coding strand, the complement: NBAS is on the minus strand). VCF-style: chr2-15275723-G-C. GRCh37 (hg19) VCF-style: chr2-15415847-G-C.
Other names: short protein forms L1829V.
Identifiers: ClinVar variation 1411201 (VCV001411201.7), dbSNP rs2148055563, ClinGen allele CA345883135.